The following is an entry in ClinVar:

ClinVar aggregate classification (germline): Uncertain significance (1 of 4 stars; one submission).

Conditions:
Werner syndrome (WRN). Identifiers: Orphanet 902, MedGen C0043119, MONDO:0010196, OMIM 277700.

Allele frequency attached by ClinVar (database versions not stated): TOPMed 0.00001.
gnomAD v4.1: 47 of 1,594,602 alleles (0.0029%); highest among the groups gnomAD compares: Non-Finnish European, 0.0039%; no homozygotes.

Submission:

Labcorp Genetics (formerly Invitae), Labcorp
Classification: Uncertain significance for Werner syndrome. Last evaluated: 2025-12-23. Review status: criteria provided, single submitter. Criteria: Invitae Variant Classification Sherloc (09022015). Collection method: clinical testing. Allele origin: germline.
Comment: This sequence change replaces tyrosine, which is neutral and polar, with aspartic acid, which is acidic and polar, at codon 1110 of the WRN protein (p.Tyr1110Asp). This variant is present in population databases (rs368115321, gnomAD 0.005%). This variant has not been reported in the literature in individuals affected with WRN-related conditions. ClinVar contains an entry for this variant (Variation ID: 458450). An algorithm developed to predict the effect of missense changes on protein structure and function outputs the following: PolyPhen-2: "Possibly Damaging". The aspartic acid amino acid residue is found in multiple mammalian species, which suggests that this missense change does not adversely affect protein function. In summary, the available evidence is currently insufficient to determine the role of this variant in disease. Therefore, it has been classified as a Variant of Uncertain Significance.

NM_000553.6(WRN):c.3328T>G (p.Tyr1110Asp)

Gene: WRN (WRN RecQ like helicase; plus strand). Cytogenetic location: 8p12.
Variant type: single nucleotide variant.
Coding change: c.3328T>G on transcript NM_000553.6 (MANE Select); coding-DNA position 3328, T replaced by G.
Protein change: p.Tyr1110Asp; replaces tyrosine 1110 with aspartic acid.
Molecular consequence: missense variant.
Genome position (GRCh38, 1-based): chr8:31,143,568, T>G. VCF-style: chr8-31143568-T-G. GRCh37 (hg19) VCF-style: chr8-31001084-T-G.
Other names: short protein forms Y1110D.
Identifiers: ClinVar variation 458450 (VCV000458450.7), dbSNP rs368115321, ClinGen allele CA4705020.